The following is an entry in ClinVar:

NM_001194998.2(CEP152):c.88-2A>G

Gene: CEP152 (centrosomal protein 152; minus strand). Cytogenetic location: 15q21.1.
Variant type: single nucleotide variant.
Coding change: c.88-2A>G on transcript NM_001194998.2 (MANE Select); the canonical splice acceptor site of the intron before coding-DNA position 88, A replaced by G.
Molecular consequence: splice acceptor variant.
Genome position (GRCh38, 1-based): chr15:48,798,053, T>C on the plus strand (A>G on the coding strand, the complement: CEP152 is on the minus strand). VCF-style: chr15-48798053-T-C. GRCh37 (hg19) VCF-style: chr15-49090250-T-C.
Other names: c.88-2A>G (NM_001194998.1, NM_014985.4).
Identifiers: ClinVar variation 631736 (VCV000631736.8), dbSNP rs537376932, ClinGen allele CA7549219.
Genomic context (GRCh38, chr15:48,798,053, plus strand): 5'-GGAGAGGAGAGGTCGTCATCCAGCATGTCATGGGGAAGGTCTGTGAGTAACTGCTGCAAC[T>C]GAGTCAAAAGGTCTGCATCAATATCATACCAACTTAAACACAAGACACCAAGCCAAAGCT-3'

ClinVar aggregate classification (germline): Likely pathogenic. Review status: criteria provided, multiple submitters, no conflicts (2 of 4 stars). 2 submissions from 2 submitters: Likely pathogenic (2). Last evaluated 2024-02-03.

Conditions:
CEP152-related disorder. Also called: CEP152-related disorders; CEP152-related condition. Identifiers: MedGen CN239248.

Allele frequency attached by ClinVar (database versions not stated): gnomAD 0.00001 and 0.00002; gnomAD exomes 0.00001 and 0.00005; TOPMed 0.00001; ExAC 0.00003; 1000 Genomes Project 30x 0.00016; 1000 Genomes Project 0.00020.
gnomAD v4.1: 15 of 1,612,740 alleles (0.00093%); highest among the groups gnomAD compares: East Asian, 0.031%; no homozygotes.

Submissions (2):

Labcorp Genetics (formerly Invitae), Labcorp
Classification: Likely pathogenic. Last evaluated: 2024-02-03. Review status: criteria provided, single submitter. Criteria: Invitae Variant Classification Sherloc (09022015). Collection method: clinical testing. Allele origin: germline.
Comment: This sequence change affects an acceptor splice site in intron 2 of the CEP152 gene. It is expected to disrupt RNA splicing. Variants that disrupt the donor or acceptor splice site typically lead to a loss of protein function (PMID: 16199547), and loss-of-function variants in CEP152 are known to be pathogenic (PMID: 21131973). This variant is present in population databases (rs537376932, gnomAD 0.07%). This variant has not been reported in the literature in individuals affected with CEP152-related conditions. ClinVar contains an entry for this variant (Variation ID: 631736). Algorithms developed to predict the effect of sequence changes on RNA splicing suggest that this variant may disrupt the consensus splice site. In summary, the currently available evidence indicates that the variant is pathogenic, but additional data are needed to prove that conclusively. Therefore, this variant has been classified as Likely Pathogenic.

PreventionGenetics, part of Exact Sciences
Classification: Likely pathogenic for CEP152-related condition. Last evaluated: 2023-04-21. Review status: criteria provided, single submitter. Criteria: ACMG Guidelines, 2015. Collection method: clinical testing. Allele origin: germline.
Comment: The CEP152 c.88-2A>G variant is predicted to disrupt the AG splice acceptor site and interfere with normal splicing. To our knowledge, this variant has not been reported in the literature. This variant is reported in 0.072% of alleles in individuals of East Asian descent in gnomAD. Variants that disrupt the consensus splice acceptor site in CEP152 are expected to be pathogenic. This variant is interpreted as likely pathogenic.

Literature cited by the submitters: PubMed 16199547 (cited by Labcorp Genetics (formerly Invitae), Labcorp); PubMed 21131973 (cited by Labcorp Genetics (formerly Invitae), Labcorp).